The following is an entry in ClinVar:

NM_000751.3(CHRND):c.1047+5G>T

Gene: CHRND (cholinergic receptor nicotinic delta subunit; plus strand). Cytogenetic location: 2q37.1.
Variant type: single nucleotide variant.
Coding change: c.1047+5G>T on transcript NM_000751.3 (MANE Select); 5 bases into the intron after coding-DNA position 1047, G replaced by T.
Molecular consequence: intron variant.
Genome position (GRCh38, 1-based): chr2:232,531,661, G>T. VCF-style: chr2-232531661-G-T. GRCh37 (hg19) VCF-style: chr2-233396371-G-T.
Other names: c.465+5G>T (NM_001311195.2); c.744+5G>T (NM_001311196.2); c.1002+5G>T (NM_001256657.2).
Identifiers: ClinVar variation 646839 (VCV000646839.8), dbSNP rs780881475, ClinGen allele CA2168233.

ClinVar aggregate classification (germline): Uncertain significance (1 of 4 stars; one submission).

Conditions:
Lethal multiple pterygium syndrome (LMPS). Identifiers: Orphanet 33108, MedGen C1854678, MONDO:0009668, OMIM 253290.

Allele frequency attached by ClinVar (database versions not stated): ExAC 0.00001.

Submission:

Labcorp Genetics (formerly Invitae), Labcorp
Classification: Uncertain significance for Lethal multiple pterygium syndrome. Last evaluated: 2023-06-30. Review status: criteria provided, single submitter. Criteria: Invitae Variant Classification Sherloc (09022015). Collection method: clinical testing. Allele origin: germline.
Comment: This variant has not been reported in the literature in individuals affected with CHRND-related conditions. This variant is present in population databases (rs780881475, gnomAD 0.0009%). This sequence change falls in intron 9 of the CHRND gene. It does not directly change the encoded amino acid sequence of the CHRND protein. It affects a nucleotide within the consensus splice site. ClinVar contains an entry for this variant (Variation ID: 646839). In summary, the available evidence is currently insufficient to determine the role of this variant in disease. Therefore, it has been classified as a Variant of Uncertain Significance. Variants that disrupt the consensus splice site are a relatively common cause of aberrant splicing (PMID: 17576681, 9536098). Algorithms developed to predict the effect of sequence changes on RNA splicing suggest that this variant is not likely to affect RNA splicing.

Literature cited by the submitters: PubMed 17576681; PubMed 9536098.